The following is an entry in ClinVar:

ClinVar aggregate classification (germline): Conflicting classifications of pathogenicity. Review status: criteria provided, conflicting classifications (1 of 4 stars). 3 submissions from 3 submitters: Uncertain significance (2); Likely benign (1). Last evaluated 2023-10-01.

Conditions:
Polycystic kidney disease, adult type (PKD1). Also called: Polycystic Kidney, Autosomal Dominant; POLYCYSTIC KIDNEY DISEASE, ADULT, TYPE I; Polycystic Kidney Disease 1, Autosomal Dominant; Polycystic kidney disease 1; Polycystic kidney disease 1, severe; POLYCYSTIC KIDNEY DISEASE 1 WITH OR WITHOUT POLYCYSTIC LIVER DISEASE. Identifiers: MedGen C3149841, MONDO:0008263, OMIM 173900.

Allele frequency attached by ClinVar (database versions not stated): TOPMed 0.00001; ExAC 0.00002; gnomAD 0.00003; gnomAD exomes 0.00005.
gnomAD v4.1: 31 of 1,609,662 alleles (0.0019%); highest among the groups gnomAD compares: Admixed American, 0.015%; no homozygotes.

Submissions (3):

CeGaT Center for Human Genetics Tuebingen
Classification: Likely benign. Last evaluated: 2023-10-01. Review status: criteria provided, single submitter. Criteria: CeGaT Center For Human Genetics Tuebingen Variant Classification Criteria Version 2. Collection method: clinical testing. Allele origin: germline. Affected: yes. Observed: 1 variant allele.
Comment: PKD1: BP4

Fulgent Genetics
Classification: Uncertain significance for Polycystic kidney disease, adult type. Last evaluated: 2022-05-18. Review status: criteria provided, single submitter. Criteria: ACMG Guidelines, 2015. Collection method: clinical testing. Allele origin: unknown.

Athena Diagnostics
Classification: Uncertain significance. Last evaluated: 2020-01-30. Review status: criteria provided, single submitter. Criteria: Athena Diagnostics Criteria. Collection method: clinical testing. Allele origin: unknown.

NM_001009944.3(PKD1):c.5173G>A (p.Ala1725Thr)

Gene: PKD1 (polycystin 1, transient receptor potential channel interacting; minus strand). Cytogenetic location: 16p13.3.
Variant type: single nucleotide variant.
Coding change: c.5173G>A on transcript NM_001009944.3 (MANE Select); coding-DNA position 5173, G replaced by A.
Protein change: p.Ala1725Thr; replaces alanine 1725 with threonine.
Molecular consequence: missense variant.
Genome position (GRCh38, 1-based): chr16:2,109,994, C>T on the plus strand (G>A on the coding strand, the complement: PKD1 is on the minus strand). VCF-style: chr16-2109994-C-T. GRCh37 (hg19) VCF-style: chr16-2159995-C-T.
Other names: c.5173G>A, p.Ala1725Thr (NM_000296.4); short protein forms A1725T.
Identifiers: ClinVar variation 995196 (VCV000995196.26), dbSNP rs779607937, ClinGen allele CA7832091.
Genomic context (GRCh38, chr16:2,109,994, plus strand): 5'-CACCAGCCAGCTCGGCACTGAGGGTGACGCTTGTGTTGACGGCAGCTGGGTTCGGGGAGG[C>T]GGCCACCATCAGCCACCCCACAGGCTCCACGAAGTCCATGGTGCAGTCGGCCCAGGCGCT-3'
Protein context (NP_001009944.3, residues 1715-1735): VEPVGWLMVA[Ala1725Thr]SPNPAAVNTS